The following is an entry in ClinVar:

ClinVar aggregate classification (germline): Uncertain significance (1 of 4 stars; one submission).

Conditions:
Multiple congenital anomalies-hypotonia-seizures syndrome 1 (MCAHS1). Also called: PIGN-CDG; Congenital disorder of glycosylation due to PIGN deficiency; GLYCOSYLPHOSPHATIDYLINOSITOL BIOSYNTHESIS DEFECT 3. Identifiers: Orphanet 280633, MedGen C3279775, MONDO:0013563, OMIM 614080.

Allele frequency attached by ClinVar (database versions not stated): gnomAD exomes below 0.00001; gnomAD 0.00001; TOPMed 0.00001.
gnomAD v4.1: 3 of 1,543,860 alleles (0.00019%); highest among the groups gnomAD compares: Non-Finnish European, 0.00026%; no homozygotes.

Submission:

Labcorp Genetics (formerly Invitae), Labcorp
Classification: Uncertain significance for Multiple congenital anomalies-hypotonia-seizures syndrome 1. Last evaluated: 2022-08-20. Review status: criteria provided, single submitter. Criteria: Invitae Variant Classification Sherloc (09022015). Collection method: clinical testing. Allele origin: germline.
Comment: This sequence change replaces alanine, which is neutral and non-polar, with threonine, which is neutral and polar, at codon 797 of the PIGN protein (p.Ala797Thr). The frequency data for this variant in the population databases is considered unreliable, as metrics indicate poor data quality at this position in the gnomAD database. This variant has not been reported in the literature in individuals affected with PIGN-related conditions. Algorithms developed to predict the effect of missense changes on protein structure and function are either unavailable or do not agree on the potential impact of this missense change (SIFT: "Not Available"; PolyPhen-2: "Probably Damaging"; Align-GVGD: "Not Available"). In summary, the available evidence is currently insufficient to determine the role of this variant in disease. Therefore, it has been classified as a Variant of Uncertain Significance.

NM_176787.5(PIGN):c.2389G>A (p.Ala797Thr)

Gene: PIGN (phosphatidylinositol glycan anchor biosynthesis class N; minus strand). Cytogenetic location: 18q21.33.
Variant type: single nucleotide variant.
Coding change: c.2389G>A on transcript NM_176787.5 (MANE Select); coding-DNA position 2389, G replaced by A.
Protein change: p.Ala797Thr; replaces alanine 797 with threonine.
Molecular consequence: missense variant.
Genome position (GRCh38, 1-based): chr18:62,085,246, C>T on the plus strand (G>A on the coding strand, the complement: PIGN is on the minus strand). VCF-style: chr18-62085246-C-T. GRCh37 (hg19) VCF-style: chr18-59752479-C-T.
Other names: c.2389G>A, p.Ala797Thr (NM_012327.6); short protein forms A797T.
Identifiers: ClinVar variation 1989283 (VCV001989283.1), dbSNP rs1321206922, ClinGen allele CA402601636.
Genomic context (GRCh38, chr18:62,085,246, plus strand): 5'-ATGCCACTTTCATTTAAAATTACCTGTTAATAGAAGCTATATTTCCAGTTCCAAAAAATG[C>T]TGTCACTAAGAAGAAAACCTAAAGGGAGTCAAGGAAATGGCAAAACAACTCAGATTTCAT-3'
Protein context (NP_789744.1, residues 787-807): AFFLVFFLVT[Ala797Thr]FFGTGNIASI